The following is an entry in ClinVar:

ClinVar aggregate classification (germline): Uncertain significance. Review status: criteria provided, multiple submitters, no conflicts (2 of 4 stars). 2 submissions from 2 submitters: Uncertain significance (2). Last evaluated 2024-09-30.

Conditions:
Inborn genetic diseases. Identifiers: MedGen C0950123, MeSH D030342.

Allele frequency attached by ClinVar (database versions not stated): gnomAD 0.00001; TOPMed 0.00001.
gnomAD v4.1: 1 of 1,612,676 alleles (0.000062%); highest among the groups gnomAD compares: Non-Finnish European, 0.000085%; no homozygotes.

Submissions (2):

Ambry Genetics
Classification: Uncertain significance for Inborn genetic diseases. Last evaluated: 2024-09-30. Review status: criteria provided, single submitter. Criteria: Ambry Variant Classification Scheme 2023. Collection method: clinical testing. Allele origin: germline.

Labcorp Genetics (formerly Invitae), Labcorp
Classification: Uncertain significance. Last evaluated: 2020-08-03. Review status: criteria provided, single submitter. Criteria: Invitae Variant Classification Sherloc (09022015). Collection method: clinical testing. Allele origin: germline.
Comment: In summary, the available evidence is currently insufficient to determine the role of this variant in disease. Therefore, it has been classified as a Variant of Uncertain Significance. Algorithms developed to predict the effect of missense changes on protein structure and function are either unavailable or do not agree on the potential impact of this missense change (SIFT: "Deleterious"; PolyPhen-2: "Benign"; Align-GVGD: "Class C0"). This variant has not been reported in the literature in individuals with POGZ-related conditions. This variant is not present in population databases (ExAC no frequency). This sequence change replaces glutamic acid with aspartic acid at codon 604 of the POGZ protein (p.Glu604Asp). The glutamic acid residue is moderately conserved and there is a small physicochemical difference between glutamic acid and aspartic acid.

NM_015100.4(POGZ):c.1812G>T (p.Glu604Asp)

Gene: POGZ (pogo transposable element derived with ZNF domain; minus strand). Cytogenetic location: 1q21.3.
Variant type: single nucleotide variant.
Coding change: c.1812G>T on transcript NM_015100.4 (MANE Select); coding-DNA position 1812, G replaced by T.
Protein change: p.Glu604Asp; replaces glutamic acid 604 with aspartic acid.
Molecular consequence: missense variant.
Genome position (GRCh38, 1-based): chr1:151,411,739, C>A on the plus strand (G>T on the coding strand, the complement: POGZ is on the minus strand). VCF-style: chr1-151411739-C-A. GRCh37 (hg19) VCF-style: chr1-151384215-C-A.
Other names: c.1785G>T, p.Glu595Asp (NM_001194937.2); c.1626G>T, p.Glu542Asp (NM_001194938.2); c.1527G>T, p.Glu509Asp (NM_145796.4); c.1653G>T, p.Glu551Asp (NM_207171.2); c.1812G>T (NM_015100.3); short protein forms E509D, E542D, E551D, E595D, E604D.
Identifiers: ClinVar variation 1006824 (VCV001006824.11), dbSNP rs764559879, ClinGen allele CA341963470.